The following is an entry in ClinVar:

ClinVar aggregate classification (germline): Uncertain significance (1 of 4 stars; one submission).

Conditions:
Hereditary cancer-predisposing syndrome. Also called: Neoplastic Syndromes, Hereditary; Tumor predisposition; Hereditary Cancer Syndrome; Hereditary neoplastic syndrome. Identifiers: Orphanet 140162, MedGen C0027672, MeSH D009386, MONDO:0015356.

Submission:

Ambry Genetics
Classification: Uncertain significance for Hereditary cancer-predisposing syndrome. Last evaluated: 2026-03-11. Review status: criteria provided, single submitter. Criteria: Ambry Variant Classification Scheme 2023. Collection method: clinical testing. Allele origin: germline.
Comment: The p.Y827C variant (also known as c.2480A>G), located in coding exon 22 of the POLE gene, results from an A to G substitution at nucleotide position 2480. The tyrosine at codon 827 is replaced by cysteine, an amino acid with highly dissimilar properties. This amino acid position is conserved. In addition, the in silico prediction for this alteration is inconclusive. Based on the available evidence, the clinical significance of this variant remains unclear.

NM_006231.4(POLE):c.2480A>G (p.Tyr827Cys)

Gene: POLE (DNA polymerase epsilon, catalytic subunit; minus strand). Cytogenetic location: 12q24.33.
Variant type: single nucleotide variant.
Coding change: c.2480A>G on transcript NM_006231.4 (MANE Select); coding-DNA position 2480, A replaced by G.
Protein change: p.Tyr827Cys; replaces tyrosine 827 with cysteine.
Molecular consequence: missense variant.
Genome position (GRCh38, 1-based): chr12:132,664,451, T>C on the plus strand (A>G on the coding strand, the complement: POLE is on the minus strand). VCF-style: chr12-132664451-T-C. GRCh37 (hg19) VCF-style: chr12-133241037-T-C.
Other names: short protein forms Y827C.
Identifiers: ClinVar variation 4825830 (VCV004825830.1).